The following is an entry in ClinVar:

NM_004385.5(VCAN):c.7638C>T (p.Asp2546=)

Genes: VCAN (versican; plus strand), VCAN-AS1 (VCAN antisense RNA 1; minus strand). Cytogenetic location: 5q14.3.
Variant type: single nucleotide variant.
Coding change: c.7638C>T on transcript NM_004385.5 (MANE Select); coding-DNA position 7638, C replaced by T.
Protein change: p.Asp2546=; no amino-acid change (aspartic acid 2546 retained).
Molecular consequence: synonymous variant. On other transcripts: intron variant (2).
Genome position (GRCh38, 1-based): chr5:83,540,641, C>T. VCF-style: chr5-83540641-C-T. GRCh37 (hg19) VCF-style: chr5-82836460-C-T.
Other names: c.4677C>T, p.Asp1559= (NM_001164097.2); c.4004-4896C>T (NM_001164098.2); c.1043-4896C>T (NM_001126336.3).
Identifiers: ClinVar variation 354446 (VCV000354446.39), dbSNP rs144914004, ClinGen allele CA3333676.

ClinVar aggregate classification (germline): Benign/Likely benign. Review status: criteria provided, multiple submitters, no conflicts (2 of 4 stars). 4 submissions from 4 submitters: Benign (2); Likely benign (2). Last evaluated 2026-01-07.

Conditions:
Vitreoretinopathy. Also called: Vitreoretinal degeneration. Identifiers: MedGen C0344290, MONDO:0020248, HP:0007773.

Allele frequency attached by ClinVar (database versions not stated): TOPMed 0.00013; gnomAD 0.00014 and 0.00015; ExAC 0.00030; gnomAD exomes 0.00030; ESP Exome Variant Server 0.00031; 1000 Genomes Project 0.00060; 1000 Genomes Project 30x 0.00062.
gnomAD v4.1: 462 of 1,613,796 alleles (0.029%); highest among the groups gnomAD compares: South Asian, 0.091%; 3 homozygotes.

Submissions (4):

Labcorp Genetics (formerly Invitae), Labcorp
Classification: Benign. Last evaluated: 2026-01-07. Review status: criteria provided, single submitter. Criteria: Invitae Variant Classification Sherloc (09022015). Collection method: clinical testing. Allele origin: germline.

Blueprint Genetics
Classification: Likely benign. Last evaluated: 2024-04-26. Review status: criteria provided, single submitter. Criteria: ACMG Guidelines, 2015. Collection method: clinical testing. Allele origin: germline.

CeGaT Center for Human Genetics Tuebingen
Classification: Likely benign. Last evaluated: 2023-04-01. Review status: criteria provided, single submitter. Criteria: CeGaT Center For Human Genetics Tuebingen Variant Classification Criteria Version 2. Collection method: clinical testing. Allele origin: germline. Affected: yes. Observed: 1 variant allele.
Comment: VCAN: BP4, BP7

Illumina Laboratory Services, Illumina
Classification: Benign for Vitreoretinopathy. Last evaluated: 2018-01-12. Review status: criteria provided, single submitter. Criteria: ICSL Variant Classification Criteria 13 December 2019. Collection method: clinical testing. Allele origin: germline.
Comment: This variant was observed in the ICSL laboratory as part of a predisposition screen in an ostensibly healthy population. It had not been previously curated by ICSL or reported in the Human Gene Mutation Database (HGMD: prior to June 1st, 2018), and was therefore a candidate for classification through an automated scoring system. Utilizing variant allele frequency, disease prevalence and penetrance estimates, and inheritance mode, an automated score was calculated to assess if this variant is too frequent to cause the disease. Based on the score and internal cut-off values, a variant classified as benign is not then subjected to further curation. The score for this variant resulted in a classification of benign for this disease.